The following is an entry in ClinVar:

ClinVar aggregate classification (germline): Uncertain significance. Review status: criteria provided, multiple submitters, no conflicts (2 of 4 stars). 3 submissions from 3 submitters: Uncertain significance (3). Last evaluated 2025-12-08.

Conditions:
Inborn genetic diseases. Identifiers: MedGen C0950123, MeSH D030342.

Allele frequency attached by ClinVar (database versions not stated): gnomAD exomes 0.00001; ExAC 0.00002; gnomAD 0.00002; ESP Exome Variant Server 0.00008; TOPMed 0.00002.
gnomAD v4.1: 15 of 1,614,040 alleles (0.00093%); highest among the groups gnomAD compares: South Asian, 0.0033%; no homozygotes.

Submissions (3):

Labcorp Genetics (formerly Invitae), Labcorp
Classification: Uncertain significance. Last evaluated: 2025-12-08. Review status: criteria provided, single submitter. Criteria: Invitae Variant Classification Sherloc (09022015). Collection method: clinical testing. Allele origin: germline.
Comment: This sequence change replaces aspartic acid, which is acidic and polar, with asparagine, which is neutral and polar, at codon 478 of the TSPEAR protein (p.Asp478Asn). This variant is present in population databases (rs149343403, gnomAD 0.01%). This missense change has been observed in individual(s) with ectodermal dysplasia (internal data). In at least one individual the data is consistent with being in trans (on the opposite chromosome) from a pathogenic variant. ClinVar contains an entry for this variant (Variation ID: 2206203). Invitae Evidence Modeling of protein sequence and biophysical properties (such as structural, functional, and spatial information, amino acid conservation, physicochemical variation, residue mobility, and thermodynamic stability) indicates that this missense variant is expected to disrupt TSPEAR protein function with a positive predictive value of 80%. In summary, the available evidence is currently insufficient to determine the role of this variant in disease. Therefore, it has been classified as a Variant of Uncertain Significance.

GeneDx
Classification: Uncertain significance. Last evaluated: 2025-09-11. Review status: criteria provided, single submitter. Criteria: GeneDx Variant Classification Process June 2021. Collection method: clinical testing. Allele origin: germline.
Comment: In silico analysis supports that this missense variant has a deleterious effect on protein structure/function; Has not been previously published as pathogenic or benign to our knowledge

Ambry Genetics
Classification: Uncertain significance for Inborn genetic diseases. Last evaluated: 2022-11-23. Review status: criteria provided, single submitter. Criteria: Ambry Variant Classification Scheme 2023. Collection method: clinical testing. Allele origin: germline.

NM_144991.3(TSPEAR):c.1432G>A (p.Asp478Asn)

Gene: TSPEAR (thrombospondin type laminin G domain and EAR repeats; minus strand). Cytogenetic location: 21q22.3.
Variant type: single nucleotide variant.
Coding change: c.1432G>A on transcript NM_144991.3 (MANE Select); coding-DNA position 1432, G replaced by A.
Protein change: p.Asp478Asn; replaces aspartic acid 478 with asparagine.
Molecular consequence: missense variant.
Genome position (GRCh38, 1-based): chr21:44,522,017, C>T on the plus strand (G>A on the coding strand, the complement: TSPEAR is on the minus strand). VCF-style: chr21-44522017-C-T. GRCh37 (hg19) VCF-style: chr21-45941900-C-T.
Other names: c.1228G>A, p.Asp410Asn (NM_001272037.2); short protein forms D410N, D478N.
Identifiers: ClinVar variation 2206203 (VCV002206203.7), dbSNP rs149343403, ClinGen allele CA10056576.